The following is an entry in ClinVar:

NM_145064.3(STAC3):c.670+3del

Gene: STAC3 (SH3 and cysteine rich domain 3; minus strand). Cytogenetic location: 12q13.3.
Variant type: Deletion.
Coding change: c.670+3del on transcript NM_145064.3 (MANE Select); 3 bases into the intron after coding-DNA position 670, one base deleted (G; older notation c.670+3delG).
Molecular consequence: intron variant.
Genome position (GRCh38, 1-based): chr12:57,245,142, C deleted on the plus strand (G on the coding strand, the reverse complement: STAC3 is on the minus strand). VCF-style (leftmost placement, unchanged base first): chr12-57245141-TC-T. GRCh37 (hg19) VCF-style: chr12-57638924-TC-T.
Other names: c.112+3del (NM_001286257.2); c.553+3del (NM_001286256.2).
Identifiers: ClinVar variation 1059868 (VCV001059868.7), dbSNP rs1236144994, ClinGen allele CA480246399.
Genomic context (GRCh38, chr12:57,245,141, plus strand): 5'-CCTCTGTTCCACAGCTGAGCCTCTGATCCTACTCCATCTCTGGATGGAGGTGGGTAACAC[TC>T]ACCATCCTGGGGTTTGCCTTCCTCTGGTCTGGCCGACTCTGGCTCCTCCTCCATCATGGC-3'

ClinVar aggregate classification (germline): Uncertain significance (1 of 4 stars; one submission).

Conditions:
Bailey-Bloch congenital myopathy (CMYO13). Also called: Congenital myopathy 13; Native American myopathy; STAC3 disorder. Identifiers: Orphanet 168572, MedGen C1850625, MONDO:0009722, OMIM 255995.

Allele frequency attached by ClinVar (database versions not stated): gnomAD 0.00001; gnomAD exomes 0.00002.

Submission:

Labcorp Genetics (formerly Invitae), Labcorp
Classification: Uncertain significance for Bailey-Bloch congenital myopathy. Last evaluated: 2020-07-08. Review status: criteria provided, single submitter. Criteria: Invitae Variant Classification Sherloc (09022015). Collection method: clinical testing. Allele origin: germline.
Comment: Nucleotide substitutions within the consensus splice site are a relatively common cause of aberrant splicing (PMID: 17576681, 9536098). Algorithms developed to predict the effect of sequence changes on RNA splicing suggest that this variant may disrupt the consensus splice site, but this prediction has not been confirmed by published transcriptional studies. In summary, the available evidence is currently insufficient to determine the role of this variant in disease. Therefore, it has been classified as a Variant of Uncertain Significance. This variant has not been reported in the literature in individuals with STAC3-related conditions. This variant is not present in population databases (ExAC no frequency). This sequence change falls in intron 7 of the STAC3 gene. It does not directly change the encoded amino acid sequence of the STAC3 protein, but it affects a nucleotide within the consensus splice site of the intron.

Literature cited by the submitters: PubMed 17576681; PubMed 9536098.